The following is an entry in ClinVar:

NM_000182.5(HADHA):c.871C>T (p.Arg291Ter)

Gene: HADHA (hydroxyacyl-CoA dehydrogenase trifunctional multienzyme complex subunit alpha; minus strand). Cytogenetic location: 2p23.3.
Variant type: single nucleotide variant.
Coding change: c.871C>T on transcript NM_000182.5 (MANE Select); coding-DNA position 871, C replaced by T.
Protein change: p.Arg291Ter; replaces arginine 291 with a stop codon.
Molecular consequence: nonsense.
Genome position (GRCh38, 1-based): chr2:26,214,490, G>A on the plus strand (C>T on the coding strand, the complement: HADHA is on the minus strand). VCF-style: chr2-26214490-G-A. GRCh37 (hg19) VCF-style: chr2-26437359-G-A.
Other names: R255*; short protein forms R291*.
Identifiers: ClinVar variation 8737 (VCV000008737.19), dbSNP rs137852775, ClinGen allele CA340823.

ClinVar aggregate classification (germline): Pathogenic. Review status: criteria provided, multiple submitters, no conflicts (2 of 4 stars). 8 submissions from 8 submitters: Pathogenic (6). 2 of the submissions do not count toward it. Last evaluated 2024-12-08.

Conditions:
Mitochondrial trifunctional protein deficiency 1 (MTPD1). Identifiers: MedGen CN376812, MONDO:0958181, OMIM 609015.
Long chain 3-hydroxyacyl-CoA dehydrogenase deficiency. Also called: Deficiency of long-chain 3-hydroxyacyl-coenzyme A dehydrogenase; LCHAD Deficiency. Identifiers: Orphanet 5, MedGen C3711645, MONDO:0012173, OMIM 609016.
Mitochondrial trifunctional protein deficiency. Identifiers: Orphanet 746, MedGen C1969443, MONDO:0012172.
Inborn genetic diseases. Identifiers: MedGen C0950123, MeSH D030342.

Allele frequency attached by ClinVar (database versions not stated): gnomAD exomes 0.00001; TOPMed 0.00002.

Submissions (8):

Natera, Inc.
Classification: Pathogenic for Deficiency of long-chain 3-hydroxyacyl-coenzyme A dehydrogenase. Last evaluated: 2024-12-08. Review status: criteria provided, single submitter. Criteria: Natera Variant Classification Schema (03/2026). Collection method: clinical testing. Allele origin: germline.
Comment: The c.871C>T variant in HADHA is a nonsense variant predicted to introduce a stop codon at amino acid 291. This variant is expected to result in nonsense mediated decay, truncation, or a dysfunctional protein product. This variant is rare in the general population with a frequency below the threshold expected for the associated phenotype(s). This variant has been observed in one or more individuals affected with the associated recessive disease, as either homozygous or compound heterozygous with a second variant (PMID: 9739053). Given the available evidence, this variant is classified as Pathogenic.

Labcorp Genetics (formerly Invitae), Labcorp
Classification: Pathogenic for Mitochondrial trifunctional protein deficiency; Long chain 3-hydroxyacyl-CoA dehydrogenase deficiency. Last evaluated: 2024-10-21. Review status: criteria provided, single submitter. Criteria: Invitae Variant Classification Sherloc (09022015). Collection method: clinical testing. Allele origin: germline.
Comment: This sequence change creates a premature translational stop signal (p.Arg291*) in the HADHA gene. It is expected to result in an absent or disrupted protein product. Loss-of-function variants in HADHA are known to be pathogenic (PMID: 7738175, 21103935, 21549624, 22459206). This variant is not present in population databases (gnomAD no frequency). This premature translational stop signal has been observed in individuals with trifunctional protein deficiency (PMID: 9739053). ClinVar contains an entry for this variant (Variation ID: 8737). Algorithms developed to predict the effect of sequence changes on RNA splicing suggest that this variant may disrupt the consensus splice site. For these reasons, this variant has been classified as Pathogenic.

Baylor Genetics
Classification: Pathogenic for Long chain 3-hydroxyacyl-CoA dehydrogenase deficiency. Last evaluated: 2024-03-20. Review status: criteria provided, single submitter. Criteria: ACMG Guidelines, 2015. Collection method: clinical testing. Allele origin: unknown.

Ambry Genetics
Classification: Pathogenic for Inborn genetic diseases. Last evaluated: 2023-12-14. Review status: criteria provided, single submitter. Criteria: Ambry Variant Classification Scheme 2023. Collection method: clinical testing. Allele origin: germline.
Comment: The c.871C>T (p.R291*) alteration, located in exon 9 (coding exon 9) of the HADHA gene, consists of a C to T substitution at nucleotide position 871. This changes the amino acid from a arginine (R) to a stop codon at amino acid position 291. This alteration is expected to result in loss of function by premature protein truncation or nonsense-mediated mRNA decay. This variant was not reported in population-based cohorts in the Genome Aggregation Database (gnomAD). This variant has been detected in conjunction with a HADHA variant in two individuals a diagnosis of LCHAD deficiency and in one individual with clinical features of MTP; however, the phase of the two variants was not specified (Ibdah, 1998; Waisbren, 2013; Squires, 2023). Based on the available evidence, this alteration is classified as pathogenic.

Women's Health and Genetics/Laboratory Corporation of America, LabCorp
Classification: Pathogenic for Long chain 3-hydroxyacyl-CoA dehydrogenase deficiency. Last evaluated: 2017-06-26. Review status: criteria provided, single submitter. Criteria: LabCorp Variant Classification Summary - May 2015. Collection method: clinical testing. Allele origin: germline.
Comment: Variant summary: The HADHA c.871C>T (p.Arg291X) variant results in a premature termination codon, predicted to cause a truncated or absent HADHA protein due to nonsense mediated decay, which are commonly known mechanisms for disease. This variant is absent in 121364 control chromosomes. Multiple publications have cited the variant in affected individuals, along with functional studies indicating no detectable protein levels were observed (Ibdah_1998). In addition, a reputable database classified this variant as pathogenic. Taken together, this variant is classified as pathogenic.

Kariminejad - Najmabadi Pathology & Genetics Center
Classification: Pathogenic for Long chain 3-hydroxyacyl-CoA dehydrogenase deficiency. Review status: criteria provided, single submitter. Criteria: ACMG Guidelines, 2015. Collection method: clinical testing. Allele origin: germline. Affected: no.

Counsyl
Classification: Likely pathogenic for Long chain 3-hydroxyacyl-CoA dehydrogenase deficiency. Last evaluated: 2015-04-08. Review status: no assertion criteria provided. Collection method: clinical testing. Allele origin: unknown. Not counted in ClinVar's aggregate classification.

OMIM
Classification: Pathogenic for MITOCHONDRIAL TRIFUNCTIONAL PROTEIN DEFICIENCY 1 WITH MYOPATHY AND NEUROPATHY. Last evaluated: 1998-09-15. Review status: no assertion criteria provided. Collection method: literature only. Allele origin: germline. Not counted in ClinVar's aggregate classification.

Literature cited by the submitters: PubMed 9739053 (cited by 5 submitters); PubMed 7738175 (cited by Labcorp Genetics (formerly Invitae), Labcorp); PubMed 21103935 (cited by Labcorp Genetics (formerly Invitae), Labcorp); PubMed 21549624 (cited by Labcorp Genetics (formerly Invitae), Labcorp and Women's Health and Genetics/Laboratory Corporation of America, LabCorp); PubMed 22459206 (cited by Labcorp Genetics (formerly Invitae), Labcorp); PubMed 23798014 (cited by Ambry Genetics and Counsyl); PubMed 37184518 (cited by Ambry Genetics); PubMed 14630990 (cited by Women's Health and Genetics/Laboratory Corporation of America, LabCorp); PubMed 10352164 (cited by Women's Health and Genetics/Laboratory Corporation of America, LabCorp); PubMed 14694500 (cited by Counsyl).